The following is an entry in ClinVar:

NM_006302.3(MOGS):c.2314C>A (p.Leu772Met)

Gene: MOGS (mannosyl-oligosaccharide glucosidase; minus strand). Cytogenetic location: 2p13.1.
Variant type: single nucleotide variant.
Coding change: c.2314C>A on transcript NM_006302.3 (MANE Select); coding-DNA position 2314, C replaced by A.
Protein change: p.Leu772Met; replaces leucine 772 with methionine.
Molecular consequence: missense variant.
Genome position (GRCh38, 1-based): chr2:74,461,475, G>T on the plus strand (C>A on the coding strand, the complement: MOGS is on the minus strand). VCF-style: chr2-74461475-G-T. GRCh37 (hg19) VCF-style: chr2-74688602-G-T.
Other names: c.2314C>A, p.Leu772Met (LRG_1226t1); c.1996C>A, p.Leu666Met (NM_001146158.2); short protein forms L666M, L772M.
Identifiers: ClinVar variation 650403 (VCV000650403.1), dbSNP rs367975640, ClinGen allele CA1724614.

ClinVar aggregate classification (germline): Uncertain significance (1 of 4 stars; one submission).

Conditions:
MOGS-congenital disorder of glycosylation. Also called: CDG IIb; GLUCOSIDASE I DEFICIENCY; MOGS-CDG; CDG 2B. Identifiers: Orphanet 79330, MedGen C1853736, MONDO:0011629, OMIM 606056.

Allele frequency attached by ClinVar (database versions not stated): TOPMed below 0.00001; gnomAD 0.00001; gnomAD exomes 0.00001; ExAC 0.00002; ESP Exome Variant Server 0.00008.

Submission:

Labcorp Genetics (formerly Invitae), Labcorp
Classification: Uncertain significance for Congenital disorder of glycosylation type 2B. Last evaluated: 2018-08-26. Review status: criteria provided, single submitter. Criteria: Invitae Variant Classification Sherloc (09022015). Collection method: clinical testing. Allele origin: germline.
Comment: This sequence change replaces leucine with methionine at codon 772 of the MOGS protein (p.Leu772Met). The leucine residue is moderately conserved and there is a small physicochemical difference between leucine and methionine. This variant is present in population databases (rs367975640, ExAC 0.003%). This variant has not been reported in the literature in individuals with MOGS-related disease. Algorithms developed to predict the effect of missense changes on protein structure and function are either unavailable or do not agree on the potential impact of this missense change (SIFT: "Tolerated"; PolyPhen-2: "Possibly Damaging"; Align-GVGD: "Class C0"). In summary, the available evidence is currently insufficient to determine the role of this variant in disease. Therefore, it has been classified as a Variant of Uncertain Significance.